The following is an entry in ClinVar:

ClinVar aggregate classification (germline): Uncertain significance (1 of 4 stars; one submission).

Allele frequency attached by ClinVar (database versions not stated): gnomAD 0.00005; gnomAD exomes 0.00005.
gnomAD v4.1: 75 of 1,547,664 alleles (0.0048%); highest among the groups gnomAD compares: Non-Finnish European, 0.0062%; no homozygotes.

Submission:

CeGaT Center for Human Genetics Tuebingen
Classification: Uncertain significance. Last evaluated: 2024-04-01. Review status: criteria provided, single submitter. Criteria: CeGaT Center For Human Genetics Tuebingen Variant Classification Criteria Version 2. Collection method: clinical testing. Allele origin: germline. Affected: yes. Observed: 1 variant allele.
Comment: PNLDC1: PM2

NM_001271862.2(PNLDC1):c.14C>G (p.Ala5Gly)

Gene: PNLDC1 (PARN like ribonuclease domain containing exonuclease 1; plus strand). Cytogenetic location: 6q25.3.
Variant type: single nucleotide variant.
Coding change: c.14C>G on transcript NM_001271862.2 (MANE Select); coding-DNA position 14, C replaced by G.
Protein change: p.Ala5Gly; replaces alanine 5 with glycine.
Molecular consequence: missense variant. On other transcripts: 5 prime UTR variant (1).
Genome position (GRCh38, 1-based): chr6:159,800,321, C>G. VCF-style: chr6-159800321-C-G. GRCh37 (hg19) VCF-style: chr6-160221353-C-G.
Other names: c.-119C>G (NM_173516.3); short protein forms A5G.
Identifiers: ClinVar variation 3234403 (VCV003234403.20), dbSNP rs969164382, ClinGen allele CA151085952.
Genomic context (GRCh38, chr6:159,800,321, plus strand): 5'-TGGGCAGCACGTGATAGCGCTGGGCGACTCCGCGGAGCTGCACGGCCATGGACGTGGGCG[C>G]CGACGAGTTCGAGGAGAGCCTCCCTCTGCTGCAGGAGCTCGTCCAGGAGGCCGACTTCGT-3'
Protein context (NP_001258791.1, residues 1-15): MDVG[Ala5Gly]DEFEESLPLL